The following is an entry in ClinVar:

NM_182919.4(TICAM1):c.1889C>T (p.Pro630Leu)

Gene: TICAM1 (TIR domain containing adaptor molecule 1; minus strand). Cytogenetic location: 19p13.3.
Variant type: single nucleotide variant.
Coding change: c.1889C>T on transcript NM_182919.4 (MANE Select); coding-DNA position 1889, C replaced by T.
Protein change: p.Pro630Leu; replaces proline 630 with leucine.
Molecular consequence: missense variant.
Genome position (GRCh38, 1-based): chr19:4,816,489, G>A on the plus strand (C>T on the coding strand, the complement: TICAM1 is on the minus strand). VCF-style: chr19-4816489-G-A. GRCh37 (hg19) VCF-style: chr19-4816501-G-A.
Other names: short protein forms P630L.
Identifiers: ClinVar variation 842138 (VCV000842138.5), dbSNP rs749105540, ClinGen allele CA9105044.

ClinVar aggregate classification (germline): Uncertain significance (1 of 4 stars; one submission).

Conditions:
Encephalopathy, acute, infection-induced (herpes-specific), susceptibility to, 6. Also called: Herpes simplex encephalitis, susceptibility to, 4. Identifiers: Orphanet 1930, MedGen C3553869, MONDO:0013921, OMIM 614850.

Allele frequency attached by ClinVar (database versions not stated): gnomAD 0.00001; TOPMed 0.00001.

Submission:

Labcorp Genetics (formerly Invitae), Labcorp
Classification: Uncertain significance for Encephalopathy, acute, infection-induced (herpes-specific), susceptibility to, 6. Last evaluated: 2022-07-13. Review status: criteria provided, single submitter. Criteria: Invitae Variant Classification Sherloc (09022015). Collection method: clinical testing. Allele origin: germline.
Comment: This variant is present in population databases (rs749105540, gnomAD 0.006%). This sequence change replaces proline, which is neutral and non-polar, with leucine, which is neutral and non-polar, at codon 630 of the TICAM1 protein (p.Pro630Leu). This variant has not been reported in the literature in individuals affected with TICAM1-related conditions. In summary, the available evidence is currently insufficient to determine the role of this variant in disease. Therefore, it has been classified as a Variant of Uncertain Significance. Algorithms developed to predict the effect of missense changes on protein structure and function are either unavailable or do not agree on the potential impact of this missense change (SIFT: "Deleterious"; PolyPhen-2: "Benign"; Align-GVGD: "Class C0"). ClinVar contains an entry for this variant (Variation ID: 842138).